The following is an entry in ClinVar:

ClinVar aggregate classification (germline): Likely pathogenic (1 of 4 stars; one submission).

Conditions:
Joubert syndrome. Also called: JOUBERT-BOLTSHAUSER SYNDROME; Familial aplasia of the vermis. Identifiers: Orphanet 475, MedGen C5979921, MONDO:0018772.
Meckel-Gruber syndrome. Also called: DYSENCEPHALIA SPLANCHNOCYSTICA; GRUBER SYNDROME; Dysencephalia splachnocystica. Identifiers: Orphanet 564, MedGen C0265215, MONDO:0018921.

gnomAD v4.1: 2 of 1,564,786 alleles (0.00013%); highest among the groups gnomAD compares: Non-Finnish European, 0.00017%; no homozygotes.

Submission:

Labcorp Genetics (formerly Invitae), Labcorp
Classification: Likely pathogenic for Joubert syndrome; Meckel-Gruber syndrome. Last evaluated: 2024-10-24. Review status: criteria provided, single submitter. Criteria: Invitae Variant Classification Sherloc (09022015). Collection method: clinical testing. Allele origin: germline.
Comment: This sequence change affects a donor splice site in intron 32 of the CC2D2A gene. It is expected to disrupt RNA splicing. Variants that disrupt the donor or acceptor splice site typically lead to a loss of protein function (PMID: 16199547), and loss-of-function variants in CC2D2A are known to be pathogenic (PMID: 19777577). This variant is not present in population databases (gnomAD no frequency). This variant has not been reported in the literature in individuals affected with CC2D2A-related conditions. ClinVar contains an entry for this variant (Variation ID: 2014459). Algorithms developed to predict the effect of sequence changes on RNA splicing suggest that this variant may disrupt the consensus splice site. In summary, the currently available evidence indicates that the variant is pathogenic, but additional data are needed to prove that conclusively. Therefore, this variant has been classified as Likely Pathogenic.

Literature cited by the submitters: PubMed 16199547; PubMed 19777577.

NM_001378615.1(CC2D2A):c.4065+1G>A

Genes: CC2D2A (coiled-coil and C2 domain containing 2A; plus strand), FBXL5 (F-box and leucine rich repeat protein 5; minus strand). Cytogenetic location: 4p15.32.
Variant type: single nucleotide variant.
Coding change: c.4065+1G>A on transcript NM_001378615.1 (MANE Select); the canonical splice donor site of the intron after coding-DNA position 4065, G replaced by A.
Molecular consequence: splice donor variant.
Genome position (GRCh38, 1-based): chr4:15,586,247, G>A. VCF-style: chr4-15586247-G-A. GRCh37 (hg19) VCF-style: chr4-15587870-G-A.
Other names: c.4065+1G>A (NM_001080522.2); c.3918+1G>A (NM_001378617.1).
Identifiers: ClinVar variation 2014459 (VCV002014459.4), dbSNP rs1472068665, ClinGen allele CA356428583.